The following is an entry in ClinVar:

ClinVar aggregate classification (germline): Uncertain significance. Review status: criteria provided, multiple submitters, no conflicts (2 of 4 stars). 4 submissions from 4 submitters: Uncertain significance (4). Last evaluated 2025-11-17.

Conditions:
Inborn genetic diseases. Identifiers: MedGen C0950123, MeSH D030342.

Allele frequency attached by ClinVar (database versions not stated): gnomAD exomes 0.00002 and 0.00004; TOPMed 0.00002; gnomAD 0.00003 and 0.00004; ExAC 0.00006; 1000 Genomes Project 0.00040; 1000 Genomes Project 30x 0.00062.
gnomAD v4.1: 36 of 1,612,456 alleles (0.0022%); highest among the groups gnomAD compares: East Asian, 0.0045%; no homozygotes.

Submissions (5):

Labcorp Genetics (formerly Invitae), Labcorp
Classification: Uncertain significance. Last evaluated: 2025-11-17. Review status: criteria provided, single submitter. Criteria: Invitae Variant Classification Sherloc (09022015). Collection method: clinical testing. Allele origin: germline.
Comment: This sequence change replaces alanine, which is neutral and non-polar, with valine, which is neutral and non-polar, at codon 3343 of the HSPG2 protein (p.Ala3343Val). This variant is present in population databases (rs527917900, gnomAD 0.008%). This variant has not been reported in the literature in individuals affected with HSPG2-related conditions. ClinVar contains an entry for this variant (Variation ID: 447534). An algorithm developed to predict the effect of missense changes on protein structure and function outputs the following: PolyPhen-2: "Benign". The valine amino acid residue is found in multiple mammalian species, which suggests that this missense change does not adversely affect protein function. In summary, the available evidence is currently insufficient to determine the role of this variant in disease. Therefore, it has been classified as a Variant of Uncertain Significance.

Ambry Genetics
Classification: Uncertain significance for Inborn genetic diseases. Last evaluated: 2023-10-16. Review status: criteria provided, single submitter. Criteria: Ambry Variant Classification Scheme 2023. Collection method: clinical testing. Allele origin: germline.

Revvity Omics, Revvity
Classification: Uncertain significance. Last evaluated: 2019-12-24. Review status: criteria provided, single submitter. Criteria: ACMG Guidelines, 2015. Collection method: clinical testing. Allele origin: germline.

Athena Diagnostics
Classification: Uncertain significance. Last evaluated: 2017-03-13. Review status: criteria provided, single submitter. Criteria: Athena Diagnostics Criteria. Collection method: clinical testing. Allele origin: germline.

Dr. Peter K. Rogan Lab, Western University
No classification provided (evidence only). Condition: Lung cancer. Review status: no classification provided. Collection method: in vitro. Allele origin: not applicable. Functional consequence: retained intron. Not counted in ClinVar's aggregate classification.

NM_005529.7(HSPG2):c.10028C>T (p.Ala3343Val)

Gene: HSPG2 (heparan sulfate proteoglycan 2; minus strand). Cytogenetic location: 1p36.12.
Variant type: single nucleotide variant.
Coding change: c.10028C>T on transcript NM_005529.7 (MANE Select); coding-DNA position 10028, C replaced by T.
Protein change: p.Ala3343Val; replaces alanine 3343 with valine.
Molecular consequence: missense variant.
Genome position (GRCh38, 1-based): chr1:21,838,947, G>A on the plus strand (C>T on the coding strand, the complement: HSPG2 is on the minus strand). VCF-style: chr1-21838947-G-A. GRCh37 (hg19) VCF-style: chr1-22165440-G-A.
Other names: c.10028C>T (NM_005529.5); c.10031C>T, p.Ala3344Val (NM_001291860.2); short protein forms A3343V, A3344V.
Identifiers: ClinVar variation 447534 (VCV000447534.10), dbSNP rs527917900, ClinGen allele CA670250.